The following is an entry in ClinVar:

ClinVar aggregate classification (germline): Conflicting classifications of pathogenicity. Review status: criteria provided, conflicting classifications (1 of 4 stars). 15 submissions from 15 submitters: Uncertain significance (1); Benign (5); Likely benign (7). 2 of the submissions do not count toward it. Last evaluated 2026-04-01.

Conditions:
CACNA1C-related disorder. Also called: CACNA1C-related condition; CACNA1C-related disorders. Identifiers: MedGen CN381092, MONDO:0700321.
Long QT syndrome 8. Identifiers: MedGen CN260585, MONDO:0032756, OMIM 618447.
Timothy syndrome (TS). Also called: LONG QT SYNDROME WITH SYNDACTYLY. Identifiers: Orphanet 65283, MedGen C1832916, MeSH C536962, MONDO:0010979, OMIM 601005.
Brugada syndrome 3 (BRGDA3). Identifiers: Orphanet 130, MedGen C2678478, MONDO:0012742, OMIM 611875.
Neurodevelopmental disorder with hypotonia, language delay, and skeletal defects with or without seizures (NEDHLSS). Identifiers: MedGen C5774213, MONDO:0859286, OMIM 620029.
Cardiovascular phenotype. Identifiers: MedGen CN230736.
Long QT syndrome (LQTS). Identifiers: MedGen C0023976, MeSH D008133, MONDO:0002442. Disease mechanism: loss of function. Inheritance: Various modes of inheritance.

Allele frequency attached by ClinVar (database versions not stated): gnomAD 0.00083 and 0.00081; 1000 Genomes Project 30x 0.00031; 1000 Genomes Project 0.00040; ESP Exome Variant Server 0.00071; TOPMed 0.00075.
gnomAD v4.1: 1,550 of 1,613,952 alleles (0.096%); highest among the groups gnomAD compares: Non-Finnish European, 0.11%; 4 homozygotes.

Submissions (15):

CeGaT Center for Human Genetics Tuebingen
Classification: Likely benign. Last evaluated: 2026-04-01. Review status: criteria provided, single submitter. Criteria: CeGaT Center For Human Genetics Tuebingen Variant Classification Criteria Version 2. Collection method: clinical testing. Allele origin: germline. Affected: yes. Observed: 19 variant alleles.
Comment: CACNA1C: BP4, BP7

Labcorp Genetics (formerly Invitae), Labcorp
Classification: Benign for Long QT syndrome. Last evaluated: 2026-02-04. Review status: criteria provided, single submitter. Criteria: Invitae Variant Classification Sherloc (09022015). Collection method: clinical testing. Allele origin: germline.

PreventionGenetics, part of Exact Sciences
Classification: Likely benign for CACNA1C-related condition. Last evaluated: 2025-05-29. Review status: criteria provided, single submitter. Criteria: ACMG Guidelines, 2015. Collection method: clinical testing. Allele origin: germline.
Comment: This variant is classified as likely benign based on ACMG/AMP sequence variant interpretation guidelines (Richards et al. 2015 PMID: 25741868, with internal and published modifications).

ARUP Laboratories, Molecular Genetics and Genomics, ARUP Laboratories
Classification: Benign. Last evaluated: 2025-05-28. Review status: criteria provided, single submitter. Criteria: ARUP Molecular Germline Variant Investigation Process 2024. Collection method: clinical testing. Allele origin: germline.

Molecular Diagnostic Laboratory for Inherited Cardiovascular Disease, Montreal Heart Institute
Classification: Benign. Last evaluated: 2025-04-09. Review status: criteria provided, single submitter. Criteria: ACMG Guidelines, 2015. Collection method: clinical testing. Allele origin: germline. Affected: no.

Laboratory of Genetics, Children's Clinical University Hospital Latvia
Classification: Likely benign. Last evaluated: 2025-02-16. Review status: criteria provided, single submitter. Criteria: ACMG Guidelines, 2015. Collection method: clinical testing. Allele origin: germline. Affected: yes.

Blueprint Genetics
Classification: Likely benign. Last evaluated: 2024-11-21. Review status: criteria provided, single submitter. Criteria: ACMG Guidelines, 2015. Collection method: clinical testing. Allele origin: germline.

Mayo Clinic Laboratories, Mayo Clinic
Classification: Likely benign. Last evaluated: 2024-06-14. Review status: criteria provided, single submitter. Criteria: ACMG Guidelines, 2015. Collection method: clinical testing. Allele origin: germline. Observed: 4 variant alleles.
Comment: BS1, BP4, BP7

Women's Health and Genetics/Laboratory Corporation of America, LabCorp
Classification: Benign. Last evaluated: 2021-03-25. Review status: criteria provided, single submitter. Criteria: LabCorp Variant Classification Summary - May 2015. Collection method: clinical testing. Allele origin: germline.

Eurofins Ntd Llc (ga)
Classification: Uncertain significance. Last evaluated: 2015-09-29. Review status: criteria provided, single submitter. Criteria: EGL Classification Definitions 2015. Collection method: clinical testing. Allele origin: germline. Observed: 1 variant allele, 1 heterozygote.

Ambry Genetics
Classification: Likely benign for Cardiovascular phenotype. Last evaluated: 2015-05-18. Review status: criteria provided, single submitter. Criteria: Ambry Variant Classification Scheme 2023. Collection method: clinical testing. Allele origin: germline.

GeneDx
Classification: Benign. Last evaluated: 2015-03-03. Review status: criteria provided, single submitter. Criteria: GeneDx Variant Classification Process June 2021. Collection method: clinical testing. Allele origin: germline. Affected: yes.

Center for Genomics, Ann and Robert H. Lurie Children's Hospital of Chicago
Classification: Likely benign for Timothy syndrome; Long QT syndrome 8; Neurodevelopmental disorder with hypotonia, language delay, and skeletal defects with or without seizures; Brugada syndrome 3. Review status: criteria provided, single submitter. Criteria: ACMG Guidelines, 2015. Collection method: clinical testing. Allele origin: germline.
Comment: This variant has not been reported in the literature but is present in the Genome Aggregation Database (Highest reported MAF: 0.4% [41/10356] including 2 total homozygotes). This variant is present in ClinVar (Variation ID:195932). Of note, this variant is a silent variant and does not change the amino acid, is not predicted to impact splicing, and this nucleotide position is poorly conserved evolutionarily, reducing the probability that this variant is disease-causing. In summary, data on this variant suggests that this variant does not cause disease but requires further evidence. Therefore, this variant is classified as likely benign.

Clinical Genetics DNA and cytogenetics Diagnostics Lab, Erasmus MC, Erasmus Medical Center
Classification: Benign. Review status: no assertion criteria provided. Collection method: clinical testing. Allele origin: germline. Affected: yes. Study: VKGL Data-share Consensus. Not counted in ClinVar's aggregate classification.

Clinical Genetics, Academic Medical Center
Classification: Benign. Review status: no assertion criteria provided. Collection method: clinical testing. Allele origin: germline. Affected: yes. Study: VKGL Data-share Consensus. Not counted in ClinVar's aggregate classification.

NM_000719.7(CACNA1C):c.3234C>T (p.Asp1078=)

Gene: CACNA1C (calcium voltage-gated channel subunit alpha1 C; plus strand). Cytogenetic location: 12p13.33.
Variant type: single nucleotide variant.
Coding change: c.3234C>T on transcript NM_000719.7 (MANE Select); coding-DNA position 3234, C replaced by T.
Protein change: p.Asp1078=; no amino-acid change (aspartic acid 1078 retained).
Molecular consequence: synonymous variant.
Genome position (GRCh38, 1-based): chr12:2,607,008, C>T. VCF-style: chr12-2607008-C-T. GRCh37 (hg19) VCF-style: chr12-2716174-C-T.
Other names: p.Asp1078=; c.3294C>T (NM_199460.3); c.3294C>T, p.Asp1098= (NM_001129827.2, NM_001129832.2, NM_199460.4); c.3234C>T, p.Asp1078= (NM_001129829.2, NM_001129830.3, NM_001129831.2 and 15 more transcripts); c.3225C>T, p.Asp1075= (NM_001129844.2).
Identifiers: ClinVar variation 195932 (VCV000195932.66), dbSNP rs111606207, ClinGen allele CA242629.